The following is an entry in ClinVar:

ClinVar aggregate classification (germline): Conflicting classifications of pathogenicity. Review status: criteria provided, conflicting classifications (1 of 4 stars). 14 submissions from 14 submitters: Uncertain significance (2); Likely benign (9). 3 of the submissions do not count toward it. Last evaluated 2026-09-01.

Conditions:
Cardiovascular phenotype. Identifiers: MedGen CN230736.
Glycogen storage disease, type II (IOPD). Also called: Pompe Disease; CARDIOMEGALIA GLYCOGENICA DIFFUSA; Glucosidase acid-1,4-alpha deficiency; POMPE DISEASE, INFANTILE-ONSET; GLYCOGEN STORAGE DISEASE II, INFANTILE-ONSET; ACID ALPHA-GLUCOSIDASE DEFICIENCY, INFANTILE-ONSET. Identifiers: Orphanet 365, MedGen C0017921, MONDO:0009290, OMIM 232300.

Allele frequency attached by ClinVar (database versions not stated): ESP Exome Variant Server 0.00015; gnomAD 0.00019; TOPMed 0.00025; 1000 Genomes Project 30x 0.00031; 1000 Genomes Project 0.00040.
gnomAD v4.1: 370 of 1,612,954 alleles (0.023%); highest among the groups gnomAD compares: Middle Eastern, 0.31%; 2 homozygotes.

Submissions (14):

CeGaT Center for Human Genetics Tuebingen
Classification: Likely benign. Last evaluated: 2026-09-01. Review status: criteria provided, single submitter. Criteria: CeGaT Center For Human Genetics Tuebingen Variant Classification Criteria Version 2. Collection method: clinical testing. Allele origin: germline. Affected: yes. Observed: 15 variant alleles.
Comment: GAA: BP4

Genomenon, Inc
Classification: Uncertain significance for Glycogen storage disease, type II. Last evaluated: 2026-07-01. Review status: criteria provided, single submitter. Criteria: Genomenon Sequence Variant Interpretation Standards - Updated. Collection method: curation. Allele origin: germline. Affected: no.
Comment: GAA c.693-4G>T is an intronic variant located in the acceptor splice region of intron 3. This variant has been reported in the published literature (PMID:29149851). In silico models predict that this variant is not damaging. In conclusion, we classify GAA c.693-4G>T as a variant of uncertain significance.

Labcorp Genetics (formerly Invitae), Labcorp
Classification: Likely benign for Glycogen storage disease, type II. Last evaluated: 2026-01-25. Review status: criteria provided, single submitter. Criteria: Invitae Variant Classification Sherloc (09022015). Collection method: clinical testing. Allele origin: germline.

Ambry Genetics
Classification: Likely benign for Cardiovascular phenotype. Last evaluated: 2025-11-24. Review status: criteria provided, single submitter. Criteria: Ambry Variant Classification Scheme 2023. Collection method: clinical testing. Allele origin: germline.

Genomic Medicine Center of Excellence, King Faisal Specialist Hospital and Research Centre
Classification: Likely benign for Glycogen storage disease, type II. Last evaluated: 2025-09-10. Review status: criteria provided, single submitter. Criteria: ACMG Guidelines, 2015. Collection method: clinical testing. Allele origin: germline.

Mayo Clinic Laboratories, Mayo Clinic
Classification: Likely benign. Last evaluated: 2024-12-31. Review status: criteria provided, single submitter. Criteria: ACMG Guidelines, 2015. Collection method: clinical testing. Allele origin: germline. Observed: 2 variant alleles.
Comment: BP4, BP7

Blueprint Genetics
Classification: Likely benign. Last evaluated: 2024-11-20. Review status: criteria provided, single submitter. Criteria: ACMG Guidelines, 2015. Collection method: clinical testing. Allele origin: germline.

Revvity Omics, Revvity
Classification: Uncertain significance. Last evaluated: 2024-11-20. Review status: criteria provided, single submitter. Criteria: ACMG Guidelines, 2015. Collection method: clinical testing. Allele origin: germline.

Genome-Nilou Lab
Classification: Likely benign for Glycogen storage disease, type II. Last evaluated: 2021-07-22. Review status: criteria provided, single submitter. Criteria: ACMG Guidelines, 2015. Collection method: clinical testing. Allele origin: germline. Affected: no.

GeneDx
Classification: Likely benign. Last evaluated: 2021-02-09. Review status: criteria provided, single submitter. Criteria: GeneDx Variant Classification Process June 2021. Collection method: clinical testing. Allele origin: germline. Affected: yes.
Comment: This variant is associated with the following publications: (PMID: 29149851)

Broad Center for Mendelian Genomics, Broad Institute of MIT and Harvard
Classification: Likely benign for Glycogen storage disease, type II. Last evaluated: 2020-01-22. Review status: criteria provided, single submitter. Criteria: ACMG Guidelines, 2015. Collection method: curation. Allele origin: germline. Inheritance: Autosomal recessive inheritance.
Comment: This variant has also been reported as a VUS by EGL Genetic Diagnostics and a likely benign variant by GeneDx and Invitae in ClinVar (Variation ID: 281097). This variant has been identified in 0.133% (47/35422) of Latino chromosomes and 0.088% (27/30616) of South Asian chromosomes by the Genome Aggregation Database (gnomAD; dbSNP rs200088236). Although this variant has been seen in the general population, its frequency is not high enough to rule out a pathogenic role. Computational prediction tools and conservation analyses suggest that this variant may not impact the protein, though this information is not predictive enough to rule out pathogenicity. However, novel synonymous variants supported by computational evidence without raised suspicion for an impact are likely benign (Richards 2015). In summary, although additional studies are required to fully establish its clinical significance, this variant is likely benign. ACMG/AMP Criteria applied: BP4, BP7 (Richards 2015).

Natera, Inc.
Classification: Likely benign for Glycogen storage disease type II. Last evaluated: 2020-07-22. Review status: no assertion criteria provided. Collection method: clinical testing. Allele origin: germline. Not counted in ClinVar's aggregate classification.

Baylor Genetics
Classification: Uncertain significance for Glycogen storage disease, type II. Last evaluated: 2018-11-08. Review status: flagged submission. Criteria: ACMG Guidelines, 2015. Collection method: clinical testing. Allele origin: unknown. Affected: yes. Not counted in ClinVar's aggregate classification.
Comment: This variant was determined to be of uncertain significance according to ACMG Guidelines, 2015 [PMID:25741868].
ClinVar note: Reason: Older and outlier claim with insufficient supporting evidence

Eurofins Ntd Llc (ga)
Classification: Uncertain significance. Last evaluated: 2018-07-18. Review status: flagged submission. Criteria: EGL ClinVar v180209 classification definitions. Collection method: clinical testing. Allele origin: germline. Observed: 8 variant alleles, 8 heterozygotes. Not counted in ClinVar's aggregate classification.
ClinVar note: Reason: Older and outlier claim with insufficient supporting evidence

Literature cited by the submitters: PubMed 29149851 (cited by Genomenon, Inc).

NM_000152.5(GAA):c.693-4G>T

Gene: GAA (alpha glucosidase; plus strand). Cytogenetic location: 17q25.3.
Variant type: single nucleotide variant.
Coding change: c.693-4G>T on transcript NM_000152.5 (MANE Select); 4 bases into the intron before coding-DNA position 693, G replaced by T.
Molecular consequence: intron variant.
Genome position (GRCh38, 1-based): chr17:80,107,553, G>T. VCF-style: chr17-80107553-G-T. GRCh37 (hg19) VCF-style: chr17-78081352-G-T.
Other names: p.?; c.693-4G>T (LRG_673t1, NM_001079803.3, NM_001079804.3).
Identifiers: ClinVar variation 281097 (VCV000281097.61), dbSNP rs200088236, ClinGen allele CA8814991.